The following is an entry in ClinVar:

NM_005560.6(LAMA5):c.2877C>T (p.Asn959=)

Gene: LAMA5 (laminin subunit alpha 5; minus strand). Cytogenetic location: 20q13.33.
Variant type: single nucleotide variant.
Coding change: c.2877C>T on transcript NM_005560.6 (MANE Select); coding-DNA position 2877, C replaced by T.
Protein change: p.Asn959=; no amino-acid change (asparagine 959 retained).
Molecular consequence: synonymous variant.
Genome position (GRCh38, 1-based): chr20:62,333,902, G>A on the plus strand (C>T on the coding strand, the complement: LAMA5 is on the minus strand). VCF-style: chr20-62333902-G-A. GRCh37 (hg19) VCF-style: chr20-60908958-G-A.
Identifiers: ClinVar variation 2988940 (VCV002988940.2), dbSNP rs2516122483, ClinGen allele CA511327462.
Genomic context (GRCh38, chr20:62,333,902, plus strand): 5'-GTGGGGTGGGGTGGGCTGGGCTGGTGGGGCAGGGGCTGTGGCCCAGGGACCCCACTCACA[G>A]TTGGCGCAGGTGGCCGACCTGCCCTCCTCTCGCACAGAGACCCGCCCGCTCACACTCATG-3'
Protein context (NP_005551.3, residues 949-969): REEGRSATCA[Asn959=]CTAQSQPVAF

ClinVar aggregate classification (germline): Uncertain significance (1 of 4 stars; one submission).

gnomAD v4.1: 2 of 1,590,234 alleles (0.00013%); no homozygotes.

Submission:

Labcorp Genetics (formerly Invitae), Labcorp
Classification: Uncertain significance. Last evaluated: 2023-01-01. Review status: criteria provided, single submitter. Criteria: Invitae Variant Classification Sherloc (09022015). Collection method: clinical testing. Allele origin: germline.
Comment: In summary, the available evidence is currently insufficient to determine the role of this variant in disease. Therefore, it has been classified as a Variant of Uncertain Significance. Algorithms developed to predict the effect of sequence changes on RNA splicing suggest that this variant is not likely to affect RNA splicing. This variant has not been reported in the literature in individuals affected with LAMA5-related conditions. This variant is not present in population databases (gnomAD no frequency). This sequence change affects codon 959 of the LAMA5 mRNA. It is a 'silent' change, meaning that it does not change the encoded amino acid sequence of the LAMA5 protein. It affects a nucleotide within the consensus splice site.